The following is an entry in ClinVar:

ClinVar aggregate classification (germline): Uncertain significance (1 of 4 stars; one submission).

Conditions:
Autosomal dominant Parkinson disease 8. Also called: LRRK2-Related Parkinson Disease; Parkinson disease 8; Parkinson disease 8, susceptibility to. Identifiers: Orphanet 411602, MedGen C1846862, MONDO:0011764, OMIM 607060.

Allele frequency attached by ClinVar (database versions not stated): gnomAD exomes below 0.00001; gnomAD 0.00001; TOPMed 0.00002.
gnomAD v4.1: 4 of 1,613,708 alleles (0.00025%); highest among the groups gnomAD compares: Non-Finnish European, 0.00034%; no homozygotes.

Submission:

Labcorp Genetics (formerly Invitae), Labcorp
Classification: Uncertain significance for Autosomal dominant Parkinson disease 8. Last evaluated: 2022-03-02. Review status: criteria provided, single submitter. Criteria: Invitae Variant Classification Sherloc (09022015). Collection method: clinical testing. Allele origin: germline.
Comment: In summary, the available evidence is currently insufficient to determine the role of this variant in disease. Therefore, it has been classified as a Variant of Uncertain Significance. Algorithms developed to predict the effect of sequence changes on RNA splicing suggest that this variant is not likely to affect RNA splicing. This variant has not been reported in the literature in individuals affected with LRRK2-related conditions. This variant is not present in population databases (gnomAD no frequency). This sequence change affects codon 2036 of the LRRK2 mRNA. It is a 'silent' change, meaning that it does not change the encoded amino acid sequence of the LRRK2 protein. It affects a nucleotide within the consensus splice site.

NM_198578.4(LRRK2):c.6108A>G (p.Pro2036=)

Gene: LRRK2 (leucine rich repeat kinase 2; plus strand). Cytogenetic location: 12q12.
Variant type: single nucleotide variant.
Coding change: c.6108A>G on transcript NM_198578.4 (MANE Select); coding-DNA position 6108, A replaced by G.
Protein change: p.Pro2036=; no amino-acid change (proline 2036 retained).
Molecular consequence: synonymous variant.
Genome position (GRCh38, 1-based): chr12:40,340,453, A>G. VCF-style: chr12-40340453-A-G. GRCh37 (hg19) VCF-style: chr12-40734255-A-G.
Identifiers: ClinVar variation 2140453 (VCV002140453.4), dbSNP rs200434075, ClinGen allele CA235333837.